The following is an entry in ClinVar:

ClinVar aggregate classification (germline): Likely benign. Review status: criteria provided, multiple submitters, no conflicts (2 of 4 stars). 6 submissions from 6 submitters: Likely benign (5). 1 of the submissions does not count toward it. Last evaluated 2026-04-02.

Conditions:
MYO7A-related disorder. Also called: MYO7A-related disorders.
Usher syndrome type 1 (USH1). Also called: RETINITIS PIGMENTOSA AND CONGENITAL DEAFNESS. Identifiers: Orphanet 231169, Orphanet 886, MedGen C1568247, MONDO:0010168, OMIM 276900.
Autosomal recessive nonsyndromic hearing loss 2. Also called: DEAFNESS, AUTOSOMAL RECESSIVE 2; NEUROSENSORY NONSYNDROMIC RECESSIVE DEAFNESS 2. Identifiers: Orphanet 90636, MedGen C1838701, MONDO:0010807, OMIM 600060.

Allele frequency attached by ClinVar (database versions not stated): TOPMed 0.00002; gnomAD 0.00003; gnomAD exomes 0.00004; ExAC 0.00009.
gnomAD v4.1: 41 of 1,571,776 alleles (0.0026%); highest among the groups gnomAD compares: South Asian, 0.0047%; no homozygotes.

Submissions (6):

PreventionGenetics, part of Exact Sciences
Classification: Likely benign for MYO7A-related condition. Last evaluated: 2026-04-02. Review status: criteria provided, single submitter. Criteria: ACMG Guidelines, 2015. Collection method: clinical testing. Allele origin: germline.
Comment: This variant is classified as likely benign based on ACMG/AMP sequence variant interpretation guidelines (Richards et al. 2015 PMID: 25741868, with internal and published modifications).

Labcorp Genetics (formerly Invitae), Labcorp
Classification: Likely benign. Last evaluated: 2026-01-20. Review status: criteria provided, single submitter. Criteria: Invitae Variant Classification Sherloc (09022015). Collection method: clinical testing. Allele origin: germline.

Blueprint Genetics
Classification: Likely benign. Last evaluated: 2023-06-14. Review status: criteria provided, single submitter. Criteria: ACMG Guidelines, 2015. Collection method: clinical testing. Allele origin: germline.

GeneDx
Classification: Likely benign. Last evaluated: 2020-09-04. Review status: criteria provided, single submitter. Criteria: GeneDx Variant Classification Process June 2021. Collection method: clinical testing. Allele origin: germline. Affected: yes.
Comment: See Variant Classification Assertion Criteria.

Laboratory for Molecular Medicine, Mass General Brigham Personalized Medicine
Classification: Likely benign. Last evaluated: 2013-07-05. Review status: criteria provided, single submitter. Criteria: LMM Criteria. Collection method: clinical testing. Allele origin: germline. Observed: 1 variant allele.
Comment: Tyr1223Tyr in Exon 29 of MYO7A: This variant is not expected to have clinical s ignificance because it does not alter an amino acid residue and is not located w ithin the splice consensus sequence.

Counsyl
Classification: Likely benign for Usher syndrome type 1; Autosomal recessive nonsyndromic hearing loss 2. Last evaluated: 2017-05-03. Review status: no assertion criteria provided. Collection method: clinical testing. Allele origin: unknown. Not counted in ClinVar's aggregate classification.

NM_000260.4(MYO7A):c.3669C>T (p.Tyr1223=)

Gene: MYO7A (myosin VIIA; plus strand). Cytogenetic location: 11q13.5.
Variant type: single nucleotide variant.
Coding change: c.3669C>T on transcript NM_000260.4 (MANE Select); coding-DNA position 3669, C replaced by T.
Protein change: p.Tyr1223=; no amino-acid change (tyrosine 1223 retained).
Molecular consequence: synonymous variant.
Genome position (GRCh38, 1-based): chr11:77,190,058, C>T. VCF-style: chr11-77190058-C-T. GRCh37 (hg19) VCF-style: chr11-76901103-C-T.
Other names: c.3669C>T, p.Tyr1223= (NM_001127180.2); c.3636C>T, p.Tyr1212= (NM_001369365.1).
Identifiers: ClinVar variation 179106 (VCV000179106.16), dbSNP rs727504631, ClinGen allele CA183746.
Genomic context (GRCh38, chr11:77,190,058, plus strand): 5'-TCAGCGGGTACTCTGGCTGCAGTACCTGCGGAACTTCATCCACGGGGGCCCGCCCGGCTA[C>T]GCCCCGTACTGTGAGGAGCGCCTGAGAAGGACCTTTGTCAATGGGACACGGACACAGCCG-3'
Protein context (NP_000251.3, residues 1213-1233): RNFIHGGPPG[Tyr1223=]APYCEERLRR